The following is an entry in ClinVar:

NM_016166.3(PIAS1):c.1730C>T (p.Ser577Leu)

Gene: PIAS1 (protein inhibitor of activated STAT 1; plus strand). Cytogenetic location: 15q23.
Variant type: single nucleotide variant.
Coding change: c.1730C>T on transcript NM_016166.3 (MANE Select); coding-DNA position 1730, C replaced by T.
Protein change: p.Ser577Leu; replaces serine 577 with leucine.
Molecular consequence: missense variant.
Genome position (GRCh38, 1-based): chr15:68,187,609, C>T. VCF-style: chr15-68187609-C-T. GRCh37 (hg19) VCF-style: chr15-68479947-C-T.
Other names: c.1736C>T, p.Ser579Leu (NM_001320687.1); short protein forms S577L, S579L.
Identifiers: ClinVar variation 1415814 (VCV001415814.6), dbSNP rs1375442542, ClinGen allele CA393214366.
Genomic context (GRCh38, chr15:68,187,609, plus strand): 5'-ACACCTCCTTGCTTGCCGCTGCAGCAGCAGCAGTTTCAGATGATCAAGACCTCCTACACT[C>T]GTCTCGGTTTTTCCCGTATACCTCCTCACAGATGTTTCTTGATCAGTTAAGTGCAGGAGG-3'
Protein context (NP_057250.1, residues 567-587): AVSDDQDLLH[Ser577Leu]SRFFPYTSSQ

ClinVar aggregate classification (germline): Uncertain significance (1 of 4 stars; one submission).

Allele frequency attached by ClinVar (database versions not stated): gnomAD exomes below 0.00001 and 0.00001; gnomAD 0.00001; TOPMed 0.00001.
gnomAD v4.1: 16 of 1,613,858 alleles (0.00099%); highest among the groups gnomAD compares: Non-Finnish European, 0.0013%; no homozygotes.

Submission:

Labcorp Genetics (formerly Invitae), Labcorp
Classification: Uncertain significance. Last evaluated: 2022-09-01. Review status: criteria provided, single submitter. Criteria: Invitae Variant Classification Sherloc (09022015). Collection method: clinical testing. Allele origin: germline.
Comment: In summary, the available evidence is currently insufficient to determine the role of this variant in disease. Therefore, it has been classified as a Variant of Uncertain Significance. Algorithms developed to predict the effect of missense changes on protein structure and function are either unavailable or do not agree on the potential impact of this missense change (SIFT: "Not Available"; PolyPhen-2: "Possibly Damaging"; Align-GVGD: "Not Available"). ClinVar contains an entry for this variant (Variation ID: 1415814). This variant has not been reported in the literature in individuals affected with PIAS1-related conditions. This variant is present in population databases (no rsID available, gnomAD 0.0009%). This sequence change replaces serine with leucine at codon 577 of the PIAS1 protein (p.Ser577Leu). The serine residue is moderately conserved and there is a large physicochemical difference between serine and leucine.